The following is an entry in ClinVar:

ClinVar aggregate classification (germline): Likely benign (1 of 4 stars; one submission).

Allele frequency attached by ClinVar (database versions not stated): 1000 Genomes Project 30x 0.00156; 1000 Genomes Project 0.00160; TOPMed 0.00365; ESP Exome Variant Server 0.00454; gnomAD 0.00567; ExAC 0.00609; gnomAD exomes 0.00610.
gnomAD v4.1: 9,705 of 1,614,150 alleles (0.6%); highest among the groups gnomAD compares: Non-Finnish European, 0.66%; 59 homozygotes.

Submission:

CeGaT Center for Human Genetics Tuebingen
Classification: Likely benign. Last evaluated: 2023-03-01. Review status: criteria provided, single submitter. Criteria: CeGaT Center For Human Genetics Tuebingen Variant Classification Criteria Version 2. Collection method: clinical testing. Allele origin: germline. Affected: yes. Observed: 1 variant allele.
Comment: CASC3: BS2

NM_007359.5(CASC3):c.1849C>T (p.Leu617Phe)

Gene: CASC3 (CASC3 exon junction complex subunit; plus strand). Cytogenetic location: 17q21.1.
Variant type: single nucleotide variant.
Coding change: c.1849C>T on transcript NM_007359.5 (MANE Select); coding-DNA position 1849, C replaced by T.
Protein change: p.Leu617Phe; replaces leucine 617 with phenylalanine.
Molecular consequence: missense variant.
Genome position (GRCh38, 1-based): chr17:40,168,301, C>T. VCF-style: chr17-40168301-C-T. GRCh37 (hg19) VCF-style: chr17-38324554-C-T.
Other names: short protein forms L617F.
Identifiers: ClinVar variation 2647734 (VCV002647734.24), dbSNP rs41283419, ClinGen allele CA8540708.
Genomic context (GRCh38, chr17:40,168,301, plus strand): 5'-CCAGGCCTCTATCCCCCACCAGTGTCCATGTCTCCAGGACAGCCACCACCTCAGCAGTTG[C>T]TTGCTCCTACTTACTTTTCTGCTCCAGGCGTCATGAACTTTGGTAATCCCAGTTACCCTT-3'
Protein context (NP_031385.2, residues 607-627): SPGQPPPQQL[Leu617Phe]APTYFSAPGV